The following is an entry in ClinVar:

ClinVar aggregate classification (germline): Uncertain significance (1 of 4 stars; one submission).

Submission:

Ambry Genetics
Classification: Uncertain significance. Last evaluated: 2023-05-21. Review status: criteria provided, single submitter. Criteria: Ambry Variant Classification Scheme 2023. Collection method: clinical testing. Allele origin: germline.
Comment: The p.T24S variant (also known as c.71C>G), located in coding exon 1 of the PKP4 gene, results from a C to G substitution at nucleotide position 71. The threonine at codon 24 is replaced by serine, an amino acid with similar properties. This amino acid position is conserved. In addition, this alteration is predicted to be tolerated by in silico analysis. Since supporting evidence is limited at this time, the clinical significance of this alteration remains unclear.

NM_003628.6(PKP4):c.71C>G (p.Thr24Ser)

Gene: PKP4 (plakophilin 4; plus strand). Cytogenetic location: 2q24.1.
Variant type: single nucleotide variant.
Coding change: c.71C>G on transcript NM_003628.6 (MANE Select); coding-DNA position 71, C replaced by G.
Protein change: p.Thr24Ser; replaces threonine 24 with serine.
Molecular consequence: missense variant. On other transcripts: 5 prime UTR variant (1).
Genome position (GRCh38, 1-based): chr2:158,533,255, C>G. VCF-style: chr2-158533255-C-G. GRCh37 (hg19) VCF-style: chr2-159389767-C-G.
Other names: c.71C>G, p.Thr24Ser (NM_001005476.4, NM_001304969.3, NM_001304971.2 and 9 more transcripts); c.-879C>G (NM_001304970.3); short protein forms T24S.
Identifiers: ClinVar variation 2563016 (VCV002563016.2), dbSNP rs1302953656, ClinGen allele CA349198454.